The following is an entry in ClinVar:

NM_001365999.1(SZT2):c.4379G>C (p.Cys1460Ser)

Gene: SZT2 (SZT2 subunit of KICSTOR complex; plus strand). Cytogenetic location: 1p34.2.
Variant type: single nucleotide variant.
Coding change: c.4379G>C on transcript NM_001365999.1 (MANE Select); coding-DNA position 4379, G replaced by C.
Protein change: p.Cys1460Ser; replaces cysteine 1460 with serine.
Molecular consequence: missense variant.
Genome position (GRCh38, 1-based): chr1:43,430,081, G>C. VCF-style: chr1-43430081-G-C. GRCh37 (hg19) VCF-style: chr1-43895752-G-C.
Other names: c.4208G>C, p.Cys1403Ser (NM_015284.4); short protein forms C1460S, C1403S.
Identifiers: ClinVar variation 648082 (VCV000648082.7), dbSNP rs372355354, ClinGen allele CA809264.

ClinVar aggregate classification (germline): Uncertain significance. Review status: criteria provided, multiple submitters, no conflicts (2 of 4 stars). 3 submissions from 3 submitters: Uncertain significance (3). Last evaluated 2025-05-09.

Conditions:
Inborn genetic diseases. Identifiers: MedGen C0950123, MeSH D030342.

Allele frequency attached by ClinVar (database versions not stated): ExAC 0.00003; gnomAD exomes 0.00003 and 0.00001; gnomAD 0.00011 and 0.00013; ESP Exome Variant Server 0.00015; TOPMed 0.00015.
gnomAD v4.1: 35 of 1,613,906 alleles (0.0022%); highest among the groups gnomAD compares: African/African-American, 0.027%; no homozygotes.

Submissions (3):

GeneDx
Classification: Uncertain significance. Last evaluated: 2025-05-09. Review status: criteria provided, single submitter. Criteria: GeneDx Variant Classification Process June 2021. Collection method: clinical testing. Allele origin: germline. Affected: yes.
Comment: In silico analysis supports that this missense variant has a deleterious effect on protein structure/function; Has not been previously published as pathogenic or benign to our knowledge

Ambry Genetics
Classification: Uncertain significance for Inborn genetic diseases. Last evaluated: 2024-11-16. Review status: criteria provided, single submitter. Criteria: Ambry Variant Classification Scheme 2023. Collection method: clinical testing. Allele origin: germline.

Labcorp Genetics (formerly Invitae), Labcorp
Classification: Uncertain significance. Last evaluated: 2024-10-30. Review status: criteria provided, single submitter. Criteria: Invitae Variant Classification Sherloc (09022015). Collection method: clinical testing. Allele origin: germline.
Comment: This sequence change replaces cysteine, which is neutral and slightly polar, with serine, which is neutral and polar, at codon 1403 of the SZT2 protein (p.Cys1403Ser). This variant is present in population databases (rs372355354, gnomAD 0.03%). This variant has not been reported in the literature in individuals affected with SZT2-related conditions. ClinVar contains an entry for this variant (Variation ID: 648082). Invitae Evidence Modeling of protein sequence and biophysical properties (such as structural, functional, and spatial information, amino acid conservation, physicochemical variation, residue mobility, and thermodynamic stability) indicates that this missense variant is not expected to disrupt SZT2 protein function with a negative predictive value of 80%. In summary, the available evidence is currently insufficient to determine the role of this variant in disease. Therefore, it has been classified as a Variant of Uncertain Significance.